The following is an entry in ClinVar:

ClinVar aggregate classification (germline): Uncertain significance (1 of 4 stars; one submission).

Submission:

CeGaT Center for Human Genetics Tuebingen
Classification: Uncertain significance. Last evaluated: 2023-03-01. Review status: criteria provided, single submitter. Criteria: CeGaT Center For Human Genetics Tuebingen Variant Classification Criteria Version 2. Collection method: clinical testing. Allele origin: germline. Affected: yes. Observed: 2 variant alleles.
Comment: POLR3A: PM2, PP3

NM_007055.4(POLR3A):c.2359G>A (p.Gly787Ser)

Gene: POLR3A (RNA polymerase III subunit A; minus strand). Cytogenetic location: 10q22.3.
Variant type: single nucleotide variant.
Coding change: c.2359G>A on transcript NM_007055.4 (MANE Select); coding-DNA position 2359, G replaced by A.
Protein change: p.Gly787Ser; replaces glycine 787 with serine.
Molecular consequence: missense variant.
Genome position (GRCh38, 1-based): chr10:78,002,197, C>T on the plus strand (G>A on the coding strand, the complement: POLR3A is on the minus strand). VCF-style: chr10-78002197-C-T. GRCh37 (hg19) VCF-style: chr10-79761955-C-T.
Other names: short protein forms G787S.
Identifiers: ClinVar variation 806530 (VCV000806530.42), dbSNP rs1316333662, ClinGen allele CA377336807.